The following is an entry in ClinVar:

ClinVar aggregate classification (germline): Uncertain significance (1 of 4 stars; one submission).

Conditions:
Early-infantile DEE. Also called: Ohtahara syndrome; Early infantile epileptic encephalopathy; Early infantile epileptic encephalopathy with suppression bursts. Identifiers: Orphanet 1934, MedGen C0393706, MONDO:0800491.

gnomAD v4.1: 2 of 1,606,728 alleles (0.00012%); highest among the groups gnomAD compares: Non-Finnish European, 0.00017%; no homozygotes.

Submission:

Labcorp Genetics (formerly Invitae), Labcorp
Classification: Uncertain significance for Early-infantile DEE. Last evaluated: 2024-11-18. Review status: criteria provided, single submitter. Criteria: Invitae Variant Classification Sherloc (09022015). Collection method: clinical testing. Allele origin: germline.
Comment: This sequence change replaces alanine, which is neutral and non-polar, with valine, which is neutral and non-polar, at codon 781 of the ARHGEF15 protein (p.Ala781Val). This variant is not present in population databases (gnomAD no frequency). This variant has not been reported in the literature in individuals affected with ARHGEF15-related conditions. An algorithm developed to predict the effect of missense changes on protein structure and function outputs the following: PolyPhen-2: "Benign". The valine amino acid residue is found in multiple mammalian species, which suggests that this missense change does not adversely affect protein function. In summary, the available evidence is currently insufficient to determine the role of this variant in disease. Therefore, it has been classified as a Variant of Uncertain Significance.

NM_173728.4(ARHGEF15):c.2342C>T (p.Ala781Val)

Gene: ARHGEF15 (Rho guanine nucleotide exchange factor 15; plus strand). Cytogenetic location: 17p13.1.
Variant type: single nucleotide variant.
Coding change: c.2342C>T on transcript NM_173728.4 (MANE Select); coding-DNA position 2342, C replaced by T.
Protein change: p.Ala781Val; replaces alanine 781 with valine.
Molecular consequence: missense variant.
Genome position (GRCh38, 1-based): chr17:8,319,571, C>T. VCF-style: chr17-8319571-C-T. GRCh37 (hg19) VCF-style: chr17-8222889-C-T.
Other names: c.2342C>T, p.Ala781Val (NM_025014.2); short protein forms A781V.
Identifiers: ClinVar variation 3654456 (VCV003654456.2).